The following is an entry in ClinVar:

ClinVar aggregate classification (germline): Likely benign (0 of 4 stars; one submission).

Conditions:
CEMIP-related disorder. Also called: CEMIP-related condition.

Allele frequency attached by ClinVar (database versions not stated): TOPMed 0.00009; gnomAD 0.00036; 1000 Genomes Project 30x 0.00156; 1000 Genomes Project 0.00200.
gnomAD v4.1: 593 of 1,614,032 alleles (0.037%); highest among the groups gnomAD compares: South Asian, 0.56%; 6 homozygotes.

Submission:

PreventionGenetics, part of Exact Sciences
Classification: Likely benign for CEMIP-related condition. Last evaluated: 2021-02-16. Review status: no assertion criteria provided. Collection method: clinical testing. Allele origin: germline.
Comment: This variant is classified as likely benign based on ACMG/AMP sequence variant interpretation guidelines (Richards et al. 2015 PMID: 25741868, with internal and published modifications).

NM_001293298.2(CEMIP):c.1387G>A (p.Ala463Thr)

Gene: CEMIP (cell migration inducing hyaluronidase 1; plus strand). Cytogenetic location: 15q25.1.
Variant type: single nucleotide variant.
Coding change: c.1387G>A on transcript NM_001293298.2 (MANE Select); coding-DNA position 1387, G replaced by A.
Protein change: p.Ala463Thr; replaces alanine 463 with threonine.
Molecular consequence: missense variant.
Genome position (GRCh38, 1-based): chr15:80,896,036, G>A. VCF-style: chr15-80896036-G-A. GRCh37 (hg19) VCF-style: chr15-81188377-G-A.
Other names: c.1387G>A, p.Ala463Thr (NM_001293304.2, NM_018689.3); short protein forms A463T.
Identifiers: ClinVar variation 3048803 (VCV003048803.2), dbSNP rs368277774, ClinGen allele CA7692922.
Genomic context (GRCh38, chr15:80,896,036, plus strand): 5'-AGTACTGATTACTCCATGTACCAGGCAGAAGAGTTCCAGGTGCTTCCCTGCAGATCCTGC[G>A]CCCCCAACCAGGTCAAAGTGGCAGGTAGGACTTTTACTAATCCCTTCCTAGACTGGATGA-3'
Protein context (NP_001280227.1, residues 453-473): EFQVLPCRSC[Ala463Thr]PNQVKVAGKP